The following is an entry in ClinVar:

NM_014989.7(RIMS1):c.895C>G (p.Gln299Glu)

Gene: RIMS1 (regulating synaptic membrane exocytosis 1; plus strand). Cytogenetic location: 6q13.
Variant type: single nucleotide variant.
Coding change: c.895C>G on transcript NM_014989.7 (MANE Select); coding-DNA position 895, C replaced by G.
Protein change: p.Gln299Glu; replaces glutamine 299 with glutamic acid.
Molecular consequence: missense variant.
Genome position (GRCh38, 1-based): chr6:72,182,366, C>G. VCF-style: chr6-72182366-C-G. GRCh37 (hg19) VCF-style: chr6-72892069-C-G.
Other names: c.895C>G (NM_014989.4); short protein forms Q299E.
Identifiers: ClinVar variation 1061886 (VCV001061886.10), dbSNP rs527686277, ClinGen allele CA3885612.

ClinVar aggregate classification (germline): Uncertain significance. Review status: criteria provided, multiple submitters, no conflicts (2 of 4 stars). 2 submissions from 2 submitters: Uncertain significance (2). Last evaluated 2025-11-27.

Allele frequency attached by ClinVar (database versions not stated): gnomAD 0.00001 and 0.00002; TOPMed 0.00003; gnomAD exomes 0.00004 and 0.00008; ExAC 0.00012; 1000 Genomes Project 30x 0.00016; 1000 Genomes Project 0.00020.
gnomAD v4.1: 60 of 1,613,870 alleles (0.0037%); highest among the groups gnomAD compares: South Asian, 0.057%; no homozygotes.

Submissions (2):

Labcorp Genetics (formerly Invitae), Labcorp
Classification: Uncertain significance. Last evaluated: 2025-11-27. Review status: criteria provided, single submitter. Criteria: Invitae Variant Classification Sherloc (09022015). Collection method: clinical testing. Allele origin: germline.
Comment: This sequence change replaces glutamine, which is neutral and polar, with glutamic acid, which is acidic and polar, at codon 299 of the RIMS1 protein (p.Gln299Glu). This variant is present in population databases (rs527686277, gnomAD 0.07%), and has an allele count higher than expected for a pathogenic variant. This variant has not been reported in the literature in individuals affected with RIMS1-related conditions. ClinVar contains an entry for this variant (Variation ID: 1061886). An algorithm developed to predict the effect of missense changes on protein structure and function (PolyPhen-2) suggests that this variant is likely to be tolerated. In summary, the available evidence is currently insufficient to determine the role of this variant in disease. Therefore, it has been classified as a Variant of Uncertain Significance.

Ambry Genetics
Classification: Uncertain significance. Last evaluated: 2025-08-23. Review status: criteria provided, single submitter. Criteria: Ambry Variant Classification Scheme 2023. Collection method: clinical testing. Allele origin: germline.